The following is an entry in ClinVar:

ClinVar aggregate classification (germline): Uncertain significance. Review status: criteria provided, multiple submitters, no conflicts (2 of 4 stars). 5 submissions from 5 submitters: Uncertain significance (4). 1 of the submissions does not count toward it. Last evaluated 2025-10-06.

Conditions:
Hereditary cancer-predisposing syndrome. Also called: Hereditary Cancer Syndrome; Hereditary neoplastic syndrome; Neoplastic Syndromes, Hereditary; Tumor predisposition. Identifiers: Orphanet 140162, MedGen C0027672, MeSH D009386, MONDO:0015356.
Ataxia-telangiectasia syndrome (AT). Also called: Ataxia-telangiectasia, complementation group E; Ataxia-telangiectasia, complementation group D; AT, COMPLEMENTATION GROUP C; ATAXIA-TELANGIECTASIA, COMPLEMENTATION GROUP A; ATAXIA-TELANGIECTASIA, FRESNO VARIANT; Ataxia-telangiectasia. Identifiers: Orphanet 100, MedGen C0004135, MONDO:0008840, OMIM 208900.

Allele frequency attached by ClinVar (database versions not stated): gnomAD exomes below 0.00001.
gnomAD v4.1: 4 of 1,610,608 alleles (0.00025%); highest among the groups gnomAD compares: Non-Finnish European, 0.00025%; no homozygotes.

Submissions (5):

Genetic Services Laboratory, University of Chicago
Classification: Uncertain significance. Last evaluated: 2025-10-06. Review status: criteria provided, single submitter. Criteria: ACMG Guidelines, 2015. Collection method: clinical testing. Allele origin: germline.
Comment: DNA sequence analysis of the ATM gene demonstrated a sequence change, c.3298A>C, in exon 23 that results in an amino acid change, p.Thr1100Pro. This sequence change does not appear to have been previously described in individuals with ATM-related disorders and has also not been described in population databases such as ExAC and gnomAD. The p.Thr1100Pro change affects a poorly conserved amino acid residue located in a domain of the ATM protein that is known to be functional. The p.Thr1100Pro substitution appears to be benign using several in-silico pathogenicity prediction tools (SIFT, PolyPhen2, Align GVGD, REVEL). Due to insufficient evidences and the lack of functional studies, the clinical significance of the p.Thr1100Pro change remains unknown at this time.

Labcorp Genetics (formerly Invitae), Labcorp
Classification: Uncertain significance for Ataxia-telangiectasia syndrome. Last evaluated: 2025-07-25. Review status: criteria provided, single submitter. Criteria: Invitae Variant Classification Sherloc (09022015). Collection method: clinical testing. Allele origin: germline.
Comment: This sequence change replaces threonine, which is neutral and polar, with proline, which is neutral and non-polar, at codon 1100 of the ATM protein (p.Thr1100Pro). This variant is not present in population databases (gnomAD no frequency). This variant has not been reported in the literature in individuals affected with ATM-related conditions. ClinVar contains an entry for this variant (Variation ID: 969471). Invitae Evidence Modeling of protein sequence and biophysical properties (such as structural, functional, and spatial information, amino acid conservation, physicochemical variation, residue mobility, and thermodynamic stability) indicates that this missense variant is not expected to disrupt ATM protein function with a negative predictive value of 95%. In summary, the available evidence is currently insufficient to determine the role of this variant in disease. Therefore, it has been classified as a Variant of Uncertain Significance.

Ambry Genetics
Classification: Uncertain significance for Hereditary cancer-predisposing syndrome. Last evaluated: 2025-01-03. Review status: criteria provided, single submitter. Criteria: Ambry Variant Classification Scheme 2023. Collection method: clinical testing. Allele origin: germline.
Comment: The p.T1100P variant (also known as c.3298A>C), located in coding exon 22 of the ATM gene, results from an A to C substitution at nucleotide position 3298. The threonine at codon 1100 is replaced by proline, an amino acid with highly similar properties. This amino acid position is poorly conserved in available vertebrate species. In addition, this alteration is predicted to be tolerated by in silico analysis. Based on the available evidence, the clinical significance of this variant remains unclear.

Color Diagnostics, LLC DBA Color Health
Classification: Uncertain significance for Hereditary cancer-predisposing syndrome. Last evaluated: 2024-03-06. Review status: criteria provided, single submitter. Criteria: ACMG Guidelines, 2015. Collection method: clinical testing. Allele origin: germline.
Comment: This missense variant replaces threonine with proline at codon 1100 of the ATM protein. Computational prediction suggests that this variant may not impact protein structure and function (internally defined REVEL score threshold <= 0.5, PMID: 27666373). To our knowledge, functional studies have not been reported for this variant. This variant has not been reported in individuals affected with hereditary cancer in the literature. This variant has not been identified in the general population by the Genome Aggregation Database (gnomAD). The available evidence is insufficient to determine the role of this variant in disease conclusively. Therefore, this variant is classified as a Variant of Uncertain Significance.

Natera, Inc.
Classification: Uncertain significance for Ataxia-telangiectasia. Last evaluated: 2021-03-03. Review status: no assertion criteria provided. Collection method: clinical testing. Allele origin: germline. Not counted in ClinVar's aggregate classification.

NM_000051.4(ATM):c.3298A>C (p.Thr1100Pro)

Gene: ATM (ATM serine/threonine kinase; plus strand). Cytogenetic location: 11q22.3.
Variant type: single nucleotide variant.
Coding change: c.3298A>C on transcript NM_000051.4 (MANE Select); coding-DNA position 3298, A replaced by C.
Protein change: p.Thr1100Pro; replaces threonine 1100 with proline.
Molecular consequence: missense variant.
Genome position (GRCh38, 1-based): chr11:108,279,504, A>C. VCF-style: chr11-108279504-A-C. GRCh37 (hg19) VCF-style: chr11-108150231-A-C.
Other names: c.3298A>C, p.Thr1100Pro (NM_001351834.2); short protein forms T1100P.
Identifiers: ClinVar variation 969471 (VCV000969471.26), dbSNP rs2082115524, ClinGen allele CA382517321.